The following is an entry in ClinVar:

NM_001166108.2(PALLD):c.2945G>C (p.Gly982Ala)

Genes: CBR4 (carbonyl reductase 4; minus strand), PALLD (palladin, cytoskeletal associated protein; plus strand). Cytogenetic location: 4q32.3.
Variant type: single nucleotide variant.
Coding change: c.2945G>C on transcript NM_001166108.2 (MANE Select); coding-DNA position 2945, G replaced by C.
Protein change: p.Gly982Ala; replaces glycine 982 with alanine.
Molecular consequence: missense variant.
Genome position (GRCh38, 1-based): chr4:168,921,628, G>C. VCF-style: chr4-168921628-G-C. GRCh37 (hg19) VCF-style: chr4-169842779-G-C.
Other names: c.1748G>C, p.Gly583Ala (NM_001166109.2); c.1433G>C, p.Gly478Ala (NM_001166110.2); c.773G>C, p.Gly258Ala (NM_001367567.1, NM_001367569.1); c.824G>C, p.Gly275Ala (NM_001367568.1, NM_001367570.1); c.2894G>C, p.Gly965Ala (NM_016081.4); short protein forms G965A, G982A, G583A, G258A, G275A, G478A.
Identifiers: ClinVar variation 3413653 (VCV003413653.1).

ClinVar aggregate classification (germline): Uncertain significance (1 of 4 stars; one submission).

Submission:

Ambry Genetics
Classification: Uncertain significance. Last evaluated: 2024-10-28. Review status: criteria provided, single submitter. Criteria: Ambry Variant Classification Scheme 2023. Collection method: clinical testing. Allele origin: germline.
Comment: The p.G965A variant (also known as c.2894G>C), located in coding exon 16 of the PALLD gene, results from a G to C substitution at nucleotide position 2894. The glycine at codon 965 is replaced by alanine, an amino acid with similar properties. This amino acid position is conserved. In addition, this alteration is predicted to be deleterious by in silico analysis. Based on the available evidence, the clinical significance of this variant remains unclear.